The following is an entry in ClinVar:

NM_004260.4(RECQL4):c.1439C>G (p.Ala480Gly)

Gene: RECQL4 (RecQ like helicase 4; minus strand). Cytogenetic location: 8q24.3.
Variant type: single nucleotide variant.
Coding change: c.1439C>G on transcript NM_004260.4 (MANE Select); coding-DNA position 1439, C replaced by G.
Protein change: p.Ala480Gly; replaces alanine 480 with glycine.
Molecular consequence: missense variant.
Genome position (GRCh38, 1-based): chr8:144,515,194, G>C on the plus strand (C>G on the coding strand, the complement: RECQL4 is on the minus strand). VCF-style: chr8-144515194-G-C. GRCh37 (hg19) VCF-style: chr8-145740578-G-C.
Other names: c.1439C>G (NM_004260.3); short protein forms A480G.
Identifiers: ClinVar variation 1369360 (VCV001369360.7), dbSNP rs767337200, ClinGen allele CA372684793.

ClinVar aggregate classification (germline): Uncertain significance. Review status: criteria provided, multiple submitters, no conflicts (2 of 4 stars). 2 submissions from 2 submitters: Uncertain significance (2). Last evaluated 2025-10-30.

Conditions:
Inborn genetic diseases. Identifiers: MedGen C0950123, MeSH D030342.
Baller-Gerold syndrome (BGS). Also called: CRANIOSYNOSTOSIS WITH RADIAL DEFECTS. Identifiers: Orphanet 1225, MedGen C0265308, MONDO:0009039, OMIM 218600.

Submissions (2):

Ambry Genetics
Classification: Uncertain significance for Inborn genetic diseases. Last evaluated: 2025-10-30. Review status: criteria provided, single submitter. Criteria: Ambry Variant Classification Scheme 2023. Collection method: clinical testing. Allele origin: germline.
Comment: The p.A480G variant (also known as c.1439C>G), located in coding exon 8 of the RECQL4 gene, results from a C to G substitution at nucleotide position 1439. The alanine at codon 480 is replaced by glycine, an amino acid with similar properties. This amino acid position is conserved. In addition, this alteration is predicted to be tolerated by in silico analysis. Based on the available evidence, the clinical significance of this variant remains unclear.

Labcorp Genetics (formerly Invitae), Labcorp
Classification: Uncertain significance for Baller-Gerold syndrome. Last evaluated: 2021-02-22. Review status: criteria provided, single submitter. Criteria: Invitae Variant Classification Sherloc (09022015). Collection method: clinical testing. Allele origin: germline.
Comment: This sequence change replaces alanine with glycine at codon 480 of the RECQL4 protein (p.Ala480Gly). The alanine residue is moderately conserved and there is a small physicochemical difference between alanine and glycine. This variant is not present in population databases (ExAC no frequency). This variant has not been reported in the literature in individuals with RECQL4-related conditions. Experimental studies and prediction algorithms are not available or were not evaluated, and the functional significance of this variant is currently unknown. In summary, the available evidence is currently insufficient to determine the role of this variant in disease. Therefore, it has been classified as a Variant of Uncertain Significance.